The following is an entry in ClinVar:

ClinVar aggregate classification (germline): Conflicting classifications of pathogenicity. Review status: criteria provided, conflicting classifications (1 of 4 stars). 2 submissions from 2 submitters: Likely pathogenic (1); Uncertain significance (1). Last evaluated 2022-11-01.

Conditions:
Autosomal recessive severe congenital neutropenia due to CSF3R deficiency. Also called: Neutropenia, severe congenital, 7, autosomal recessive. Identifiers: Orphanet 420702, MedGen C4310764, MONDO:0014865, OMIM 617014.

Submissions (2):

Labcorp Genetics (formerly Invitae), Labcorp
Classification: Uncertain significance for Autosomal recessive severe congenital neutropenia due to CSF3R deficiency. Last evaluated: 2022-11-01. Review status: criteria provided, single submitter. Criteria: Invitae Variant Classification Sherloc (09022015). Collection method: clinical testing. Allele origin: germline.
Comment: Advanced modeling of protein sequence and biophysical properties (such as structural, functional, and spatial information, amino acid conservation, physicochemical variation, residue mobility, and thermodynamic stability) performed at Invitae indicates that this missense variant is expected to disrupt CSF3R protein function. ClinVar contains an entry for this variant (Variation ID: 1163140). This variant has not been reported in the literature in individuals affected with CSF3R-related conditions. This variant is not present in population databases (gnomAD no frequency). This sequence change replaces asparagine, which is neutral and polar, with isoleucine, which is neutral and non-polar, at codon 610 of the CSF3R protein (p.Asn610Ile). In summary, the available evidence is currently insufficient to determine the role of this variant in disease. Therefore, it has been classified as a Variant of Uncertain Significance.

Mayo Clinic Laboratories, Mayo Clinic
Classification: Likely pathogenic. Last evaluated: 2019-10-06. Review status: criteria provided, single submitter. Criteria: ACMG Guidelines, 2015. Collection method: clinical testing. Allele origin: germline. Observed: 2 variant alleles.
Comment: PM1, PM2, PM5, PP3

Literature cited by the submitters: PubMed 30348809 (cited by Mayo Clinic Laboratories, Mayo Clinic).

NM_000760.4(CSF3R):c.1829A>T (p.Asn610Ile)

Gene: CSF3R (colony stimulating factor 3 receptor; minus strand). Cytogenetic location: 1p34.3.
Variant type: single nucleotide variant.
Coding change: c.1829A>T on transcript NM_000760.4 (MANE Select); coding-DNA position 1829, A replaced by T.
Protein change: p.Asn610Ile; replaces asparagine 610 with isoleucine.
Molecular consequence: missense variant.
Genome position (GRCh38, 1-based): chr1:36,467,857, T>A on the plus strand (A>T on the coding strand, the complement: CSF3R is on the minus strand). VCF-style: chr1-36467857-T-A. GRCh37 (hg19) VCF-style: chr1-36933458-T-A.
Other names: c.1829A>T, p.Asn610Ile (NM_156039.3, NM_172313.3); short protein forms N610I.
Identifiers: ClinVar variation 1163140 (VCV001163140.13), dbSNP rs764132853, ClinGen allele CA339417658.
Genomic context (GRCh38, chr1:36,467,857, plus strand): 5'-CTGCCCAGCCCCCGTCTCCCCTTACCTGGGGTCAAGGTCATCAGGGTGAGGACTGTACTG[T>A]TGGTGGCCCCAGCCTGGCTGGCAGCCATGAGGTGGATGTGATACAGACTGGCGGGCTCCA-3'
Protein context (NP_000751.1, residues 600-620): LMAASQAGAT[Asn610Ile]STVLTLMTLT